The following is an entry in ClinVar:

ClinVar aggregate classification (germline): Uncertain significance (1 of 4 stars; one submission).

Conditions:
Inborn genetic diseases. Identifiers: MedGen C0950123, MeSH D030342.

Allele frequency attached by ClinVar (database versions not stated): gnomAD exomes below 0.00001; ExAC 0.00001.

Submission:

Ambry Genetics
Classification: Uncertain significance for Inborn genetic diseases. Last evaluated: 2017-10-27. Review status: criteria provided, single submitter. Criteria: Ambry Variant Classification Scheme 2023. Collection method: clinical testing. Allele origin: germline.
Comment: The p.R1404H variant (also known as c.4211G>A), located in coding exon 7 of the NSD1 gene, results from a G to A substitution at nucleotide position 4211. The arginine at codon 1404 is replaced by histidine, an amino acid with highly similar properties. This amino acid position is highly conserved in available vertebrate species. In addition, this alteration is predicted to be deleterious by in silico analysis. Since supporting evidence is limited at this time, the clinical significance of this alteration remains unclear.

NM_022455.5(NSD1):c.4211G>A (p.Arg1404His)

Gene: NSD1 (nuclear receptor binding SET domain protein 1; plus strand). Cytogenetic location: 5q35.3.
Variant type: single nucleotide variant.
Coding change: c.4211G>A on transcript NM_022455.5 (MANE Select); coding-DNA position 4211, G replaced by A.
Protein change: p.Arg1404His; replaces arginine 1404 with histidine.
Molecular consequence: missense variant.
Genome position (GRCh38, 1-based): chr5:177,239,774, G>A. VCF-style: chr5-177239774-G-A. GRCh37 (hg19) VCF-style: chr5-176666775-G-A.
Other names: c.3338G>A, p.Arg1113His (NM_001365684.2, NM_001409306.1, NM_001409307.1 and 3 more transcripts); c.4211G>A, p.Arg1404His (NM_001409301.1, NM_001409302.1, NM_001409303.1); c.3791G>A, p.Arg1264His (NM_001409304.1); c.3458G>A, p.Arg1153His (NM_001409305.1); short protein forms R1153H, R1264H, R1113H, R1404H, R1135H.
Identifiers: ClinVar variation 1738758 (VCV001738758.2), dbSNP rs776547552, ClinGen allele CA3577591.